The following is an entry in ClinVar:

NM_001062.4(TCN1):c.596AGA[1] (p.Lys200del)

Gene: TCN1 (transcobalamin 1; minus strand). Cytogenetic location: 11q12.1.
Variant type: Microsatellite.
Coding change: c.596AGA[1] on transcript NM_001062.4 (MANE Select); one copy of the 3-base unit AGA starting at c.596; the reference has two copies in a row; one copy, 3 bases deleted.
Protein change: p.Lys200del; deletes lysine 200.
Molecular consequence: inframe deletion.
Genome position (GRCh38, 1-based): chr11:59,859,223-59,859,225, TCT deleted on the plus strand (AGA on the coding strand, the reverse complement: TCN1 is on the minus strand); deleting any 3 consecutive bases within chr11:59,859,223-59,859,230 gives the same sequence; the position shown is the placement nearest the transcript's 3' end. VCF-style (leftmost placement, unchanged base first): chr11-59859222-CTCT-C. GRCh37 (hg19) VCF-style: chr11-59626695-CTCT-C.
Other names: short protein forms K200del.
Identifiers: ClinVar variation 2742360 (VCV002742360.3), dbSNP rs757594565, ClinGen allele CA6021956.

ClinVar aggregate classification (germline): Uncertain significance (1 of 4 stars; one submission).

Conditions:
Transcobalamin I deficiency (TCN1D). Also called: COBALAMIN PSEUDODEFICIENCY DUE TO TRANSCOBALAMIN DEFICIENCY; COBALAMIN R BINDER PROTEIN DEFICIENCY; TCN1 DEFICIENCY. Identifiers: Orphanet 2967, MedGen C0342700, MONDO:0008659, OMIM 193090.

Submission:

Labcorp Genetics (formerly Invitae), Labcorp
Classification: Uncertain significance for Transcobalamin I deficiency. Last evaluated: 2024-11-05. Review status: criteria provided, single submitter. Criteria: Invitae Variant Classification Sherloc (09022015). Collection method: clinical testing. Allele origin: germline.
Comment: This variant, c.599_601del, results in the deletion of 1 amino acid(s) of the TCN1 protein (p.Lys200del), but otherwise preserves the integrity of the reading frame. This variant is present in population databases (rs757594565, gnomAD 0.004%). This variant has not been reported in the literature in individuals affected with TCN1-related conditions. Experimental studies and prediction algorithms are not available or were not evaluated, and the functional significance of this variant is currently unknown. In summary, the available evidence is currently insufficient to determine the role of this variant in disease. Therefore, it has been classified as a Variant of Uncertain Significance.